The following is an entry in ClinVar:

ClinVar aggregate classification (germline): other (0 of 4 stars; one submission).

Conditions:
Familial colorectal cancer. Identifiers: MedGen CN280943, MONDO:0023113. Disease mechanism: loss of function.

Allele frequency attached by ClinVar (database versions not stated): gnomAD 0.61944 and 0.62949; TOPMed 0.63800; 1000 Genomes Project 30x 0.69269.

Submission:

Systems Biology Platform Zhejiang California International NanoSystems Institute
Classification: other for Familial colorectal cancer. Review status: no assertion criteria provided. Collection method: not provided. Allele origin: unknown.
ClinVar note: Converted during submission from cancer to other.

NM_000038.6(APC):c.729+1860C>A

Gene: APC (APC regulator of WNT signaling pathway; plus strand). Cytogenetic location: 5q22.2.
Variant type: single nucleotide variant.
Coding change: c.729+1860C>A on transcript NM_000038.6 (MANE Select); 1860 bases into the intron after coding-DNA position 729, C replaced by A.
Molecular consequence: intron variant.
Genome position (GRCh38, 1-based): chr5:112,794,389, C>A. VCF-style: chr5-112794389-C-A. GRCh37 (hg19) VCF-style: chr5-112130086-C-A.
Other names: c.729+1860C>A (NM_001354895.2, NM_001127510.3, NM_001354896.2 and 1 more transcripts); c.759+1860C>A (NM_001354897.2, NM_001354902.2); c.676-6890C>A (NM_001127511.3); c.654+1860C>A (NM_001354898.2, NM_001354904.2); c.-307+1860C>A (NM_001354906.2); c.646-6890C>A (NM_001354899.2); c.552+1860C>A (NM_001354900.2, NM_001354901.2, NM_001354905.2).
Identifiers: ClinVar variation 83012 (VCV000083012.2), dbSNP rs1734243, ClinGen allele CA013073.